The following is an entry in ClinVar:

NM_015030.2(FRYL):c.7664A>G (p.Asp2555Gly)

Gene: FRYL (FRY like transcription coactivator; minus strand). Cytogenetic location: 4p11.
Variant type: single nucleotide variant.
Coding change: c.7664A>G on transcript NM_015030.2 (MANE Select); coding-DNA position 7664, A replaced by G.
Protein change: p.Asp2555Gly; replaces aspartic acid 2555 with glycine.
Molecular consequence: missense variant.
Genome position (GRCh38, 1-based): chr4:48,521,073, T>C on the plus strand (A>G on the coding strand, the complement: FRYL is on the minus strand). VCF-style: chr4-48521073-T-C. GRCh37 (hg19) VCF-style: chr4-48523090-T-C.
Other names: short protein forms D2555G.
Identifiers: ClinVar variation 4527234 (VCV004527234.2).
Genomic context (GRCh38, chr4:48,521,073, plus strand): 5'-AGATTGGCCATGCACCAGCCTCCATTTCTCCCCACCTCAGGCAGCCGGCTGTTAGCATTA[T>C]CTAGAGAAGCCTCCAAAGTTGGGGTCTCATCCCTGATTTGAAGCACTTCCTCTGTTGTGA-3'
Protein context (NP_055845.1, residues 2545-2565): DETPTLEASL[Asp2555Gly]NANSRLPEDT

ClinVar aggregate classification (germline): Uncertain significance (1 of 4 stars; one submission).

Submission:

GeneDx
Classification: Uncertain significance. Last evaluated: 2026-05-05. Review status: criteria provided, single submitter. Criteria: GeneDx Variant Classification Process June 2021. Collection method: clinical testing. Allele origin: germline.
Comment: Not observed at significant frequency in large population cohorts (gnomAD); In silico analysis suggests that this missense variant does not alter protein structure/function; In silico analysis supports a deleterious effect on splicing; Has not been previously published as pathogenic or benign to our knowledge